The following is an entry in ClinVar:

NM_014915.3(ANKRD26):c.4132G>A (p.Glu1378Lys)

Gene: ANKRD26 (ankyrin repeat domain containing 26; minus strand). Cytogenetic location: 10p12.1.
Variant type: single nucleotide variant.
Coding change: c.4132G>A on transcript NM_014915.3 (MANE Select); coding-DNA position 4132, G replaced by A.
Protein change: p.Glu1378Lys; replaces glutamic acid 1378 with lysine.
Molecular consequence: missense variant.
Genome position (GRCh38, 1-based): chr10:27,022,641, C>T on the plus strand (G>A on the coding strand, the complement: ANKRD26 is on the minus strand). VCF-style: chr10-27022641-C-T. GRCh37 (hg19) VCF-style: chr10-27311570-C-T.
Other names: c.4129G>A, p.Glu1377Lys (NM_001256053.2); short protein forms E1378K, E1377K.
Identifiers: ClinVar variation 3913024 (VCV003913024.1).

ClinVar aggregate classification (germline): Uncertain significance (1 of 4 stars; one submission).

Conditions:
Inborn genetic diseases. Identifiers: MedGen C0950123, MeSH D030342.

gnomAD v4.1: 1 of 1,579,354 alleles (0.000063%); no homozygotes.

Submission:

Ambry Genetics
Classification: Uncertain significance for Inborn genetic diseases. Last evaluated: 2025-03-18. Review status: criteria provided, single submitter. Criteria: Ambry Variant Classification Scheme 2023. Collection method: clinical testing. Allele origin: germline.
Comment: The p.E1378K variant (also known as c.4132G>A), located in coding exon 29 of the ANKRD26 gene, results from a G to A substitution at nucleotide position 4132. The glutamic acid at codon 1378 is replaced by lysine, an amino acid with similar properties. This amino acid position is conserved. In addition, this alteration is predicted to be tolerated by in silico analysis. Based on the available evidence, the clinical significance of this variant remains unclear.